The following is an entry in ClinVar:

ClinVar aggregate classification (germline): Uncertain significance (1 of 4 stars; one submission).

Conditions:
Retinitis pigmentosa 59 (RP59). Identifiers: Orphanet 791, MedGen C3151227, MONDO:0013468, OMIM 613861.

Submission:

Labcorp Genetics (formerly Invitae), Labcorp
Classification: Uncertain significance for Retinitis pigmentosa 59. Last evaluated: 2022-10-17. Review status: criteria provided, single submitter. Criteria: Invitae Variant Classification Sherloc (09022015). Collection method: clinical testing. Allele origin: germline.
Comment: In summary, the available evidence is currently insufficient to determine the role of this variant in disease. Therefore, it has been classified as a Variant of Uncertain Significance. Algorithms developed to predict the effect of missense changes on protein structure and function (SIFT, PolyPhen-2, Align-GVGD) all suggest that this variant is likely to be tolerated. This variant has not been reported in the literature in individuals affected with DHDDS-related conditions. This variant is not present in population databases (gnomAD no frequency). This sequence change replaces glutamine, which is neutral and polar, with histidine, which is basic and polar, at codon 316 of the DHDDS protein (p.Gln316His).

NM_205861.3(DHDDS):c.945G>C (p.Gln315His)

Gene: DHDDS (dehydrodolichyl diphosphate synthase subunit; plus strand). Cytogenetic location: 1p36.11.
Variant type: single nucleotide variant.
Coding change: c.945G>C on transcript NM_205861.3 (MANE Select); coding-DNA position 945, G replaced by C.
Protein change: p.Gln315His; replaces glutamine 315 with histidine.
Molecular consequence: missense variant.
Genome position (GRCh38, 1-based): chr1:26,469,074, G>C. VCF-style: chr1-26469074-G-C. GRCh37 (hg19) VCF-style: chr1-26795565-G-C.
Other names: c.843G>C, p.Gln281His (NM_001243564.2); c.828G>C, p.Gln276His (NM_001243565.2); c.666G>C, p.Gln222His (NM_001319959.2); c.948G>C, p.Gln316His (NM_024887.4); short protein forms Q222H, Q276H, Q281H, Q315H, Q316H.
Identifiers: ClinVar variation 1717723 (VCV001717723.5), dbSNP rs2124553418, ClinGen allele CA339145916.